The following is an entry in ClinVar:

ClinVar aggregate classification (germline): Benign/Likely benign. Review status: criteria provided, multiple submitters, no conflicts (2 of 4 stars). 5 submissions from 5 submitters: Benign (2); Likely benign (3). Last evaluated 2026-01-01.

Conditions:
McCune-Albright syndrome (MAS). Also called: Albright's Syndrome; Albright's disease; Fibrous Dysplasia / McCune-Albright Syndrome; ALBRIGHT SYNDROME; McCune-Albright syndrome, somatic, mosaic. Identifiers: Orphanet 562, MedGen C0242292, MONDO:0018919, OMIM 174800.
ACTH-independent macronodular adrenal hyperplasia 1 (AIMAH1). Also called: CORTICOTROPIN-INDEPENDENT MACRONODULAR ADRENAL HYPERPLASIA; ACTH-independent macronodular adrenal hyperplasia, somatic; CUSHING SYNDROME, ADRENAL, DUE TO AIMAH; ADRENOCORTICOTROPIC HORMONE-INDEPENDENT MACRONODULAR ADRENAL HYPERPLASIA; ACTH-INDEPENDENT MACRONODULAR ADRENOCORTICAL HYPERPLASIA. Identifiers: MedGen C1857451, MONDO:0020735, OMIM 219080.
Pseudohypoparathyroidism type I A (PHP1A). Also called: Pseudohypoparathyroidism Type IA; Pseudohypoparathyroidism Ia (PHP-Ia); ALBRIGHT HEREDITARY OSTEODYSTROPHY WITH MULTIPLE HORMONE RESISTANCE; PHP IA; Pseudohypoparathyroidism type 1A. Identifiers: Orphanet 79443, MedGen C3494506, MONDO:0007078, OMIM 103580.
Pseudohypoparathyroidism type 1C (PHP1C). Also called: PSEUDOHYPOPARATHYROIDISM, TYPE IC; PHP IC; Pseudohypoparathyroidism Ic (PHP-Ic). Identifiers: Orphanet 79444, MedGen C2932716, MONDO:0012911, OMIM 612462.
Progressive osseous heteroplasia (POH). Also called: Osseus Heteroplasia, Progressive; Progressive Osseus Heteroplasia (POH); Osteoma cutis; ECTOPIC OSSIFICATION, FAMILIAL. Identifiers: Orphanet 2762, MedGen C0334041, MONDO:0008153, OMIM 166350, HP:0025027.
Pseudohypoparathyroidism type 1B (PHP1B). Also called: Pseudohypoparathyroidism Type IB; Pseudohypoparathyroidism Ib (PHP-Ib); PHP IB. Identifiers: Orphanet 94089, MedGen C1864100, MONDO:0011301, OMIM 603233.
Pseudopseudohypoparathyroidism (PPHP). Also called: ALBRIGHT HEREDITARY OSTEODYSTROPHY WITHOUT MULTIPLE HORMONE RESISTANCE; Pseudopseudohypoparathyroidism (PPHP). Identifiers: Orphanet 79445, MedGen C0033835, MONDO:0012912, OMIM 612463.
Pituitary adenoma 3, multiple types. Also called: PITUITARY ADENOMA 3, ACTH-SECRETING, SOMATIC; PITUITARY ADENOMA 3, GROWTH HORMONE-SECRETING, SOMATIC. Identifiers: MedGen C4540135, MONDO:0054665, OMIM 617686.

Allele frequency attached by ClinVar (database versions not stated): gnomAD exomes 0.00094; gnomAD 0.00411 and 0.00433; ESP Exome Variant Server 0.00142; 1000 Genomes Project 0.00499; TOPMed 0.00474; ExAC 0.00105; 1000 Genomes Project 30x 0.00593.
gnomAD v4.1: 1,524 of 1,582,906 alleles (0.096%); highest among the groups gnomAD compares: African/African-American, 1.3%; 7 homozygotes.

Submissions (5):

CeGaT Center for Human Genetics Tuebingen
Classification: Likely benign. Last evaluated: 2026-01-01. Review status: criteria provided, single submitter. Criteria: CeGaT Center For Human Genetics Tuebingen Variant Classification Criteria Version 2. Collection method: clinical testing. Allele origin: germline. Affected: yes. Observed: 4 variant alleles.
Comment: GNAS: BP4, BS1

Blueprint Genetics
Classification: Likely benign. Last evaluated: 2024-11-26. Review status: criteria provided, single submitter. Criteria: ACMG Guidelines, 2015. Collection method: clinical testing. Allele origin: germline.

Fulgent Genetics
Classification: Likely benign for Pseudohypoparathyroidism type I A; Progressive osseous heteroplasia; McCune-Albright syndrome; ACTH-independent macronodular adrenal hyperplasia 1; Pseudohypoparathyroidism type 1B; Pseudohypoparathyroidism type 1C; Pseudopseudohypoparathyroidism; Pituitary adenoma 3, multiple types. Last evaluated: 2021-10-28. Review status: criteria provided, single submitter. Criteria: ACMG Guidelines, 2015. Collection method: clinical testing. Allele origin: unknown.

Labcorp Genetics (formerly Invitae), Labcorp
Classification: Benign. Last evaluated: 2019-12-31. Review status: criteria provided, single submitter. Criteria: Invitae Variant Classification Sherloc (09022015). Collection method: clinical testing. Allele origin: germline.

Breakthrough Genomics
Classification: Benign. Review status: criteria provided, single submitter. Criteria: ACMG Guidelines, 2015. Collection method: not provided. Allele origin: germline. Inheritance: Autosomal dominant inheritance. Affected: yes.

NM_080425.4(GNAS):c.1221C>G (p.Thr407=)

Gene: GNAS (GNAS complex locus; plus strand). Cytogenetic location: 20q13.32.
Variant type: single nucleotide variant.
Coding change: c.1221C>G on transcript NM_080425.4 (MANE Plus Clinical); coding-DNA position 1221, C replaced by G.
Protein change: p.Thr407=; no amino-acid change (threonine 407 retained).
Molecular consequence: synonymous variant. On other transcripts: missense variant (2), intron variant (3).
Genome position (GRCh38, 1-based): chr20:58,854,486, C>G. VCF-style: chr20-58854486-C-G. GRCh37 (hg19) VCF-style: chr20-57429541-C-G.
Other names: c.1034C>G, p.Pro345Arg (NM_001077490.3, NM_001309883.1); c.1221C>G, p.Thr407= (NM_001410913.1); c.*42+13600C>G (NM_016592.5); c.43+13600C>G (NM_001410912.1); c.-39+12611C>G (NM_001309861.2); short protein forms P345R.
Identifiers: ClinVar variation 781570 (VCV000781570.25), dbSNP rs200430001, ClinGen allele CA9926648.